The following is an entry in ClinVar:

ClinVar aggregate classification (germline): Uncertain significance (1 of 4 stars; one submission).

Submission:

Labcorp Genetics (formerly Invitae), Labcorp
Classification: Uncertain significance. Last evaluated: 2022-12-21. Review status: criteria provided, single submitter. Criteria: Invitae Variant Classification Sherloc (09022015). Collection method: clinical testing. Allele origin: germline.
Comment: This sequence change replaces proline, which is neutral and non-polar, with leucine, which is neutral and non-polar, at codon 58 of the SMPX protein (p.Pro58Leu). This variant is not present in population databases (gnomAD no frequency). This variant has not been reported in the literature in individuals affected with SMPX-related conditions. Algorithms developed to predict the effect of missense changes on protein structure and function (SIFT, PolyPhen-2, Align-GVGD) all suggest that this variant is likely to be disruptive. In summary, the available evidence is currently insufficient to determine the role of this variant in disease. Therefore, it has been classified as a Variant of Uncertain Significance.

NM_014332.3(SMPX):c.173C>T (p.Pro58Leu)

Gene: SMPX (small muscle protein X-linked; minus strand). Cytogenetic location: Xp22.12.
Variant type: single nucleotide variant.
Coding change: c.173C>T on transcript NM_014332.3 (MANE Select); coding-DNA position 173, C replaced by T.
Protein change: p.Pro58Leu; replaces proline 58 with leucine.
Molecular consequence: missense variant. On other transcripts: non-coding transcript variant (1).
Genome position (GRCh38, 1-based): chrX:21,737,657, G>A on the plus strand (C>T on the coding strand, the complement: SMPX is on the minus strand). VCF-style: chrX-21737657-G-A. GRCh37 (hg19) VCF-style: chrX-21755775-G-A.
Other names: short protein forms P58L.
Identifiers: ClinVar variation 2823017 (VCV002823017.3), dbSNP rs2519503925, ClinGen allele CA412562370.
Genomic context (GRCh38, chrX:21,737,657, plus strand): 5'-CTTTTAATATTCTGGATTTCCGATAGATTGACTGCAGGTCCTGGAAGTTTCTTCGCTCCT[G>A]GAATTGGCTTCTTCTCCTCATCCGAGGTGGGAGGAACACCCTGAAGAGCAAGGAGAAGAA-3'
Protein context (NP_055147.1, residues 48-68): PTSDEEKKPI[Pro58Leu]GAKKLPGPAV